The following is an entry in ClinVar:

ClinVar aggregate classification (germline): Uncertain significance. Review status: criteria provided, multiple submitters, no conflicts (2 of 4 stars). 2 submissions from 2 submitters: Uncertain significance (2). Last evaluated 2023-01-14.

Conditions:
Familial cold autoinflammatory syndrome 4 (FCAS4). Identifiers: Orphanet 47045, Orphanet 576349, MedGen C4015276, MONDO:0014498, OMIM 616115.
Periodic fever-infantile enterocolitis-autoinflammatory syndrome. Also called: Autoinflammation with infantile enterocolitis. Identifiers: Orphanet 436166, MedGen C4015067, MONDO:0014472, OMIM 616050.
NLRC4-related disorder. Also called: NLRC4-related condition.

Submissions (2):

PreventionGenetics, part of Exact Sciences
Classification: Uncertain significance for NLRC4-related condition. Last evaluated: 2023-01-14. Review status: criteria provided, single submitter. Criteria: ACMG Guidelines, 2015. Collection method: clinical testing. Allele origin: germline.
Comment: The NLRC4 c.286G>C variant is predicted to result in the amino acid substitution p.Gly96Arg. To our knowledge, this variant has not been reported in the literature or in a large population database, indicating this variant is rare. At this time, the clinical significance of this variant is uncertain due to the absence of conclusive functional and genetic evidence.

Labcorp Genetics (formerly Invitae), Labcorp
Classification: Uncertain significance for Periodic fever-infantile enterocolitis-autoinflammatory syndrome; Familial cold autoinflammatory syndrome 4. Last evaluated: 2019-12-30. Review status: criteria provided, single submitter. Criteria: Invitae Variant Classification Sherloc (09022015). Collection method: clinical testing. Allele origin: germline.
Comment: In summary, the available evidence is currently insufficient to determine the role of this variant in disease. Therefore, it has been classified as a Variant of Uncertain Significance. This sequence change replaces glycine with arginine at codon 96 of the NLRC4 protein (p.Gly96Arg). The glycine residue is weakly conserved and there is a moderate physicochemical difference between glycine and arginine. This variant is not present in population databases (ExAC no frequency). This variant has not been reported in the literature in individuals with NLRC4-related conditions. Algorithms developed to predict the effect of missense changes on protein structure and function (SIFT, PolyPhen-2, Align-GVGD) all suggest that this variant is likely to be tolerated, but these predictions have not been confirmed by published functional studies and their clinical significance is uncertain.

NM_001199138.2(NLRC4):c.286G>C (p.Gly96Arg)

Gene: NLRC4 (NLR family CARD domain containing 4; minus strand). Cytogenetic location: 2p22.3.
Variant type: single nucleotide variant.
Coding change: c.286G>C on transcript NM_001199138.2 (MANE Select); coding-DNA position 286, G replaced by C.
Protein change: p.Gly96Arg; replaces glycine 96 with arginine.
Molecular consequence: missense variant. On other transcripts: intron variant (1).
Genome position (GRCh38, 1-based): chr2:32,251,578, C>G on the plus strand (G>C on the coding strand, the complement: NLRC4 is on the minus strand). VCF-style: chr2-32251578-C-G. GRCh37 (hg19) VCF-style: chr2-32476647-C-G.
Other names: c.286G>C, p.Gly96Arg (NM_001199139.2, NM_021209.5); c.262+841G>C (NM_001302504.1); short protein forms G96R.
Identifiers: ClinVar variation 859279 (VCV000859279.11), dbSNP rs1687079366, ClinGen allele CA346516560.
Genomic context (GRCh38, chr2:32,251,578, plus strand): 5'-TCAGAAAAGATGGGGTATGGTACAAGTCCTTTAAATCCTGAGCCAAATCGTCCAAGTCTC[C>G]TTCTGATGTCTGATGAAAAAGACCTATTAGAGAAGAGGTGATGTTAAAGAAGACCCAATT-3'
Protein context (NP_001186067.1, residues 86-106): GQSLFHQTSE[Gly96Arg]DLDDLAQDLK